The following is an entry in ClinVar:

NM_176824.3(BBS7):c.529-1dup

Gene: BBS7 (Bardet-Biedl syndrome 7; minus strand). Cytogenetic location: 4q27.
Variant type: Duplication.
Coding change: c.529-1dup on transcript NM_176824.3 (MANE Select); the canonical splice acceptor site of the intron before coding-DNA position 529, one base duplicated (G; older notation c.529-1dupG).
Molecular consequence: splice acceptor variant.
Genome position (GRCh38, 1-based): chr4:121,855,560, C duplicated on the plus strand (G on the coding strand, the reverse complement: BBS7 is on the minus strand); the first of 3 consecutive C bases (chr4:121,855,560-121,855,562); duplicating any one gives the same sequence. VCF-style (leftmost placement, unchanged base first): chr4-121855559-T-TC. GRCh37 (hg19) VCF-style: chr4-122776714-T-TC.
Other names: c.529-1dup (NM_018190.4).
Identifiers: ClinVar variation 849754 (VCV000849754.6), dbSNP rs1726566546, ClinGen allele CA916084329.

ClinVar aggregate classification (germline): Pathogenic (1 of 4 stars; one submission).

Conditions:
Bardet-Biedl syndrome (BBS). Identifiers: Orphanet 110, MedGen C0752166, MONDO:0015229.

Submission:

Labcorp Genetics (formerly Invitae), Labcorp
Classification: Pathogenic for Bardet-Biedl syndrome. Last evaluated: 2019-12-05. Review status: criteria provided, single submitter. Criteria: Invitae Variant Classification Sherloc (09022015). Collection method: clinical testing. Allele origin: germline.
Comment: For these reasons, this variant has been classified as Pathogenic. Loss-of-function variants in BBS7 are known to be pathogenic (PMID: 12567324). This variant has not been reported in the literature in individuals with BBS7-related conditions. This variant is not present in population databases (ExAC no frequency). This sequence change creates a premature translational stop signal (p.Ser178Ilefs*2) in the BBS7 gene. It is expected to result in an absent or disrupted protein product.

Literature cited by the submitters: PubMed 12567324.